The following is an entry in ClinVar:

NM_001101362.3(KBTBD13):c.915C>T (p.Gly305=)

Gene: KBTBD13 (kelch repeat and BTB domain containing 13; plus strand). Cytogenetic location: 15q22.31.
Variant type: single nucleotide variant.
Coding change: c.915C>T on transcript NM_001101362.3 (MANE Select); coding-DNA position 915, C replaced by T.
Protein change: p.Gly305=; no amino-acid change (glycine 305 retained).
Molecular consequence: synonymous variant.
Genome position (GRCh38, 1-based): chr15:65,077,730, C>T. VCF-style: chr15-65077730-C-T. GRCh37 (hg19) VCF-style: chr15-65370068-C-T.
Identifiers: ClinVar variation 4722086 (VCV004722086.1).
Genomic context (GRCh38, chr15:65,077,730, plus strand): 5'-GAGTTTCGTGGCCGACCTGCCGCAGCCGGCCGCCGGCGTGCCCTGCGCCCAGGCTTGTGG[C>T]CGTCTCTTCGTGTGCCTGTGGCGGCCGGCCGACACCACCGCCGTGGTGGAGTACGCAGTG-3'
Protein context (NP_001094832.1, residues 295-315): AAGVPCAQAC[Gly305=]RLFVCLWRPA

ClinVar aggregate classification (germline): Uncertain significance (1 of 4 stars; one submission).

Conditions:
Nemaline myopathy 6 (NEM6). Also called: Nemaline myopathy 6, autosomal dominant. Identifiers: Orphanet 171439, MedGen C1836472, MONDO:0012237, OMIM 609273.

gnomAD v4.1: 2 of 1,583,904 alleles (0.00013%); highest among the groups gnomAD compares: African/African-American, 0.0013%; no homozygotes.

Submission:

Labcorp Genetics (formerly Invitae), Labcorp
Classification: Uncertain significance for Nemaline myopathy 6. Last evaluated: 2025-06-24. Review status: criteria provided, single submitter. Criteria: Invitae Variant Classification Sherloc (09022015). Collection method: clinical testing. Allele origin: germline.
Comment: This sequence change affects codon 305 of the KBTBD13 mRNA. It is a 'silent' change, meaning that it does not change the encoded amino acid sequence of the KBTBD13 protein. This variant is not present in population databases (gnomAD no frequency). This variant has not been reported in the literature in individuals affected with KBTBD13-related conditions. In summary, the available evidence is currently insufficient to determine the role of this variant in disease. Therefore, it has been classified as a Variant of Uncertain Significance.